The following is an entry in ClinVar:

NM_170662.5(CBLB):c.164A>G (p.Lys55Arg)

Gene: CBLB (Cbl proto-oncogene B; minus strand). Cytogenetic location: 3q13.11.
Variant type: single nucleotide variant.
Coding change: c.164A>G on transcript NM_170662.5 (MANE Select); coding-DNA position 164, A replaced by G.
Protein change: p.Lys55Arg; replaces lysine 55 with arginine.
Molecular consequence: missense variant. On other transcripts: 5 prime UTR variant (8), non-coding transcript variant (7).
Genome position (GRCh38, 1-based): chr3:105,867,414, T>C on the plus strand (A>G on the coding strand, the complement: CBLB is on the minus strand). VCF-style: chr3-105867414-T-C. GRCh37 (hg19) VCF-style: chr3-105586258-T-C.
Other names: c.248A>G, p.Lys83Arg (NM_001321786.1, NM_001321789.1); c.164A>G, p.Lys55Arg (NM_001321788.2, NM_001321791.2, NM_001321793.2 and 6 more transcripts); c.-761A>G (NM_001321807.2, NM_001321808.2); c.-460A>G (NM_001321811.2, NM_001321816.2, NM_001321806.2); c.-806A>G (NM_001321813.1); c.-1333A>G (NM_001321820.2); c.-1216A>G (NM_001321822.2); c.230A>G, p.Lys77Arg (NM_001321790.2); short protein forms K55R, K83R, K77R.
Identifiers: ClinVar variation 5006519 (VCV005006519.2).

ClinVar aggregate classification (germline): Uncertain significance (1 of 4 stars; one submission).

Conditions:
Autoimmune disease, multisystem, infantile-onset, 3 (ADMIO3). Also called: CBLB DEFICIENCY. Identifiers: MedGen C5830600, MONDO:0957388, OMIM 620430.

Submission:

Juno Genomics, Hangzhou Juno Genomics, Inc
Classification: Uncertain significance for Autoimmune disease, multisystem, infantile-onset, 3. Review status: criteria provided, single submitter. Criteria: ACMG Guidelines, 2015. Collection method: clinical testing. Allele origin: germline.
Comment: Absent from controls (or at extremely low frequency if recessive) in Genome Aggregation Database.;Multiple lines of computational evidence support a deleterious effect on the gene or gene product.